The following is an entry in ClinVar:

NM_004517.4(ILK):c.1078+5G>A

Genes: TAF10 (TATA-box binding protein associated factor 10; minus strand), ILK (integrin linked kinase; plus strand). Cytogenetic location: 11p15.4.
Variant type: single nucleotide variant.
Coding change: c.1078+5G>A on transcript NM_004517.4 (MANE Select); 5 bases into the intron after coding-DNA position 1078, G replaced by A.
Molecular consequence: intron variant. On other transcripts: 3 prime UTR variant (1).
Genome position (GRCh38, 1-based): chr11:6,610,040, G>A. VCF-style: chr11-6610040-G-A. GRCh37 (hg19) VCF-style: chr11-6631271-G-A.
Other names: c.*882C>T (NM_006284.4); c.1078+5G>A (NM_001014795.3, NM_001014794.3); c.895+5G>A (NM_001278441.2); c.676+5G>A (NM_001278442.2).
Identifiers: ClinVar variation 1348494 (VCV001348494.6), dbSNP rs1855340750, ClinGen allele CA472921623.
Genomic context (GRCh38, chr11:6,610,040, plus strand): 5'-GTTCTCTTTCCAATGTCCTGGTCGCATGTATGCACCTGCCTGGGTAGCCCCCGAAGGTGA[G>A]TGAAGTCATCATGTCGGGAGGTAAAAAAGGACCACCTCAGAAGTAGTGGAAGGGGGCAGA-3'

ClinVar aggregate classification (germline): Uncertain significance (1 of 4 stars; one submission).

Conditions:
Primary familial hypertrophic cardiomyopathy (HCM). Identifiers: Orphanet 99739, MedGen C0949658, MeSH D024741, MONDO:0024573. Inheritance: Various modes of inheritance.

Allele frequency attached by ClinVar (database versions not stated): TOPMed 0.00001.

Submission:

Labcorp Genetics (formerly Invitae), Labcorp
Classification: Uncertain significance for Primary familial hypertrophic cardiomyopathy. Last evaluated: 2021-05-30. Review status: criteria provided, single submitter. Criteria: Invitae Variant Classification Sherloc (09022015). Collection method: clinical testing. Allele origin: germline.
Comment: In summary, the available evidence is currently insufficient to determine the role of this variant in disease. Therefore, it has been classified as a Variant of Uncertain Significance. Nucleotide substitutions within the consensus splice site are a relatively common cause of aberrant splicing (PMID: 17576681, 9536098). Algorithms developed to predict the effect of sequence changes on RNA splicing suggest that this variant may disrupt the consensus splice site, but this prediction has not been confirmed by published transcriptional studies. This variant has not been reported in the literature in individuals with ILK-related conditions. This variant is not present in population databases (ExAC no frequency). This sequence change falls in intron 11 of the ILK gene. It does not directly change the encoded amino acid sequence of the ILK protein. It affects a nucleotide within the consensus splice site of the intron.

Literature cited by the submitters: PubMed 17576681; PubMed 9536098.